The following is an entry in ClinVar:

NM_001042492.3(NF1):c.3328T>G (p.Phe1110Val)

Gene: NF1 (neurofibromin 1; plus strand). Cytogenetic location: 17q11.2.
Variant type: single nucleotide variant.
Coding change: c.3328T>G on transcript NM_001042492.3 (MANE Select); coding-DNA position 3328, T replaced by G.
Protein change: p.Phe1110Val; replaces phenylalanine 1110 with valine.
Molecular consequence: missense variant.
Genome position (GRCh38, 1-based): chr17:31,232,713, T>G. VCF-style: chr17-31232713-T-G. GRCh37 (hg19) VCF-style: chr17-29559731-T-G.
Other names: c.3328T>G, p.Phe1110Val (NM_000267.4); short protein forms F1110V.
Identifiers: ClinVar variation 952889 (VCV000952889.6), dbSNP rs2067134298, ClinGen allele CA398988990.

ClinVar aggregate classification (germline): Uncertain significance (1 of 4 stars; one submission).

Conditions:
Neurofibromatosis, type 1 (NF1). Also called: VON RECKLINGHAUSEN DISEASE; NEUROFIBROMATOSIS, TYPE I, SOMATIC; Peripheral type neurofibromatosis; Neurofibromatosis, type I. Identifiers: Orphanet 636, MedGen C0027831, MONDO:0018975, OMIM 162200. Disease mechanism: loss of function.

Submission:

Labcorp Genetics (formerly Invitae), Labcorp
Classification: Uncertain significance for Neurofibromatosis, type 1. Last evaluated: 2024-04-29. Review status: criteria provided, single submitter. Criteria: Invitae Variant Classification Sherloc (09022015). Collection method: clinical testing. Allele origin: germline.
Comment: This sequence change replaces phenylalanine, which is neutral and non-polar, with valine, which is neutral and non-polar, at codon 1110 of the NF1 protein (p.Phe1110Val). This variant is not present in population databases (gnomAD no frequency). This missense change has been observed in individual(s) with NF1-related conditions (PMID: 31573083). ClinVar contains an entry for this variant (Variation ID: 952889). Advanced modeling of protein sequence and biophysical properties (such as structural, functional, and spatial information, amino acid conservation, physicochemical variation, residue mobility, and thermodynamic stability) performed at Invitae indicates that this missense variant is expected to disrupt NF1 protein function with a positive predictive value of 95%. In summary, the available evidence is currently insufficient to determine the role of this variant in disease. Therefore, it has been classified as a Variant of Uncertain Significance.

Literature cited by the submitters: PubMed 31573083.